The following is an entry in ClinVar:

NC_000015.9:g.(?_72978569)_(73022045_?)del

Gene: BBS4 (Bardet-Biedl syndrome 4; plus strand). Cytogenetic location: 15q24.1.
Variant type: Deletion.
Identifiers: ClinVar variation 3243769 (VCV003243769.1).

ClinVar aggregate classification (germline): Pathogenic (1 of 4 stars; one submission).

Conditions:
Bardet-Biedl syndrome (BBS). Identifiers: Orphanet 110, MedGen C0752166, MONDO:0015229.

Submission:

Labcorp Genetics (formerly Invitae), Labcorp
Classification: Pathogenic for Bardet-Biedl syndrome. Last evaluated: 2023-05-01. Review status: criteria provided, single submitter. Criteria: Invitae Variant Classification Sherloc (09022015). Collection method: clinical testing. Allele origin: unknown.
Comment: For these reasons, this variant has been classified as Pathogenic. This variant has not been reported in the literature in individuals affected with BBS4-related conditions. This variant is a gross deletion of the genomic region encompassing exon(s) 1-10 of the BBS4 gene, which includes the initiator codon. This deletion extends beyond the assayed region for this gene and therefore may encompass additional genes. It is expected to result in an absent or disrupted protein product. Loss-of-function variants in BBS4 are known to be pathogenic (PMID: 11381270, 12016587, 20177705, 27894351).

Literature cited by the submitters: PubMed 11381270; PubMed 12016587; PubMed 20177705; PubMed 27894351.